The following is an entry in ClinVar:

ClinVar aggregate classification (germline): Likely benign (1 of 4 stars; one submission).

Allele frequency attached by ClinVar (database versions not stated): gnomAD exomes below 0.00001; gnomAD 0.00002; TOPMed 0.00002; ExAC 0.00003; ESP Exome Variant Server 0.00009.
gnomAD v4.1: 5 of 1,196,553 alleles (0.00042%); highest among the groups gnomAD compares: African/African-American, 0.009%; no homozygotes.

Submission:

CeGaT Center for Human Genetics Tuebingen
Classification: Likely benign. Last evaluated: 2022-05-01. Review status: criteria provided, single submitter. Criteria: CeGaT Center For Human Genetics Tuebingen Variant Classification Criteria Version 2. Collection method: clinical testing. Allele origin: germline. Affected: yes. Observed: 2 variant alleles.
Comment: RPS6KA6: BP4, BP7

NM_014496.5(RPS6KA6):c.12C>T (p.Phe4=)

Gene: RPS6KA6 (ribosomal protein S6 kinase A6; minus strand). Cytogenetic location: Xq21.1.
Variant type: single nucleotide variant.
Coding change: c.12C>T on transcript NM_014496.5 (MANE Select); coding-DNA position 12, C replaced by T.
Protein change: p.Phe4=; no amino-acid change (phenylalanine 4 retained).
Molecular consequence: synonymous variant. On other transcripts: 5 prime UTR variant (1).
Genome position (GRCh38, 1-based): chrX:84,187,888, G>A on the plus strand (C>T on the coding strand, the complement: RPS6KA6 is on the minus strand). VCF-style: chrX-84187888-G-A. GRCh37 (hg19) VCF-style: chrX-83442896-G-A.
Other names: c.-211C>T (NM_001330512.1).
Identifiers: ClinVar variation 2660998 (VCV002660998.24), dbSNP rs149522058, ClinGen allele CA10463617.